The following is an entry in ClinVar:

NM_000363.5(TNNI3):c.526G>A (p.Val176Met)

Gene: TNNI3 (troponin I3, cardiac type; minus strand). Cytogenetic location: 19q13.42.
Variant type: single nucleotide variant.
Coding change: c.526G>A on transcript NM_000363.5 (MANE Select); coding-DNA position 526, G replaced by A.
Protein change: p.Val176Met; replaces valine 176 with methionine.
Molecular consequence: missense variant.
Genome position (GRCh38, 1-based): chr19:55,154,053, C>T on the plus strand (G>A on the coding strand, the complement: TNNI3 is on the minus strand). VCF-style: chr19-55154053-C-T. GRCh37 (hg19) VCF-style: chr19-55665421-C-T.
Other names: short protein forms V176M.
Identifiers: ClinVar variation 165513 (VCV000165513.18), dbSNP rs727503501, ClinGen allele CA021822.

ClinVar aggregate classification (germline): Conflicting classifications of pathogenicity. Review status: criteria provided, conflicting classifications (1 of 4 stars). 3 submissions from 3 submitters: Likely pathogenic (1); Uncertain significance (2). Last evaluated 2021-07-14.

Conditions:
TNNI3-related disorder. Also called: TNNI3-related condition; TNNI3-related disorders.
Hypertrophic cardiomyopathy. Also called: HYPERTROPHIC MYOCARDIOPATHY. Identifiers: Orphanet 217569, MedGen C0007194, MeSH D002312, MONDO:0005045, HP:0001639.

Submissions (3):

Blueprint Genetics
Classification: Likely pathogenic for TNNI3-related disorders. Last evaluated: 2021-07-14. Review status: criteria provided, single submitter. Criteria: ACMG Guidelines, 2015. Collection method: clinical testing. Allele origin: germline. Affected: yes. Observed: 2 variant alleles.

Labcorp Genetics (formerly Invitae), Labcorp
Classification: Uncertain significance for Hypertrophic cardiomyopathy. Last evaluated: 2019-12-23. Review status: criteria provided, single submitter. Criteria: Invitae Variant Classification Sherloc (09022015). Collection method: clinical testing. Allele origin: germline.
Comment: In summary, the available evidence is currently insufficient to determine the role of this variant in disease. Therefore, it has been classified as a Variant of Uncertain Significance. Algorithms developed to predict the effect of missense changes on protein structure and function are either unavailable or do not agree on the potential impact of this missense change (SIFT: "Deleterious"; PolyPhen-2: "Probably Damaging"; Align-GVGD: "Class C15"). This variant has been observed in individual(s) with hypertrophic cardiomyopathy (PMID: 25524337, 27532257, 30384889, 23396983, Invitae). ClinVar contains an entry for this variant (Variation ID: 165513). This variant is not present in population databases (ExAC no frequency). This sequence change replaces valine with methionine at codon 176 of the TNNI3 protein (p.Val176Met). The valine residue is highly conserved and there is a small physicochemical difference between valine and methionine.

Laboratory for Molecular Medicine, Mass General Brigham Personalized Medicine
Classification: Uncertain significance. Last evaluated: 2014-01-22. Review status: criteria provided, single submitter. Criteria: LMM Criteria. Collection method: clinical testing. Allele origin: germline. Observed: 2 variant alleles.
Comment: Variant classified as Uncertain Significance - Favor Pathogenic. The Val176Met v ariant in TNNI3 has been reported in 2 individuals with HCM (Lopes 2013) and has been now been identified by our laboratory in 2 individuals with HCM. It has no t been identified in large population studies. Computational analyses (biochemic al amino acid properties, conservation, AlignGVGD, and PolyPhen2) suggest that t his variant may impact the protein, though this information is not predictive en ough to determine pathogenicity. Although this data supports that the Val176Met variant may be pathogenic, additional studies are needed to fully assess its cli nical significance.

Literature cited by the submitters: PubMed 25524337 (cited by Labcorp Genetics (formerly Invitae), Labcorp); PubMed 27532257 (cited by Labcorp Genetics (formerly Invitae), Labcorp); PubMed 30384889 (cited by Labcorp Genetics (formerly Invitae), Labcorp); PubMed 23396983 (cited by Labcorp Genetics (formerly Invitae), Labcorp and Laboratory for Molecular Medicine, Mass General Brigham Personalized Medicine).